The following is an entry in ClinVar:

ClinVar aggregate classification (germline): Uncertain significance (1 of 4 stars; one submission).

Conditions:
Mucopolysaccharidosis, MPS-III-A (MPS3A). Also called: HEPARAN SULFATE SULFATASE DEFICIENCY; SANFILIPPO SYNDROME A; SULFAMIDASE DEFICIENCY; MPS III A; MPS IIIA (Sanfilippo Syndrome Type A); Mucopolysaccharidosis type IIIA (Sanfilippo A). Identifiers: Orphanet 581, Orphanet 79269, MedGen C0086647, MONDO:0009655, OMIM 252900.

Submission:

Labcorp Genetics (formerly Invitae), Labcorp
Classification: Uncertain significance for Mucopolysaccharidosis, MPS-III-A. Last evaluated: 2022-05-21. Review status: criteria provided, single submitter. Criteria: Invitae Variant Classification Sherloc (09022015). Collection method: clinical testing. Allele origin: germline.
Comment: This variant has not been reported in the literature in individuals affected with SGSH-related conditions. In summary, the available evidence is currently insufficient to determine the role of this variant in disease. Therefore, it has been classified as a Variant of Uncertain Significance. Algorithms developed to predict the effect of missense changes on protein structure and function are either unavailable or do not agree on the potential impact of this missense change (SIFT: "Tolerated"; PolyPhen-2: "Not Available"; Align-GVGD: "Class C0"). This variant is not present in population databases (gnomAD no frequency). This sequence change replaces cysteine, which is neutral and slightly polar, with tyrosine, which is neutral and polar, at codon 8 of the SGSH protein (p.Cys8Tyr).

NM_000199.5(SGSH):c.23G>A (p.Cys8Tyr)

Gene: SGSH (N-sulfoglucosamine sulfohydrolase; minus strand). Cytogenetic location: 17q25.3.
Variant type: single nucleotide variant.
Coding change: c.23G>A on transcript NM_000199.5 (MANE Select); coding-DNA position 23, G replaced by A.
Protein change: p.Cys8Tyr; replaces cysteine 8 with tyrosine.
Molecular consequence: missense variant. On other transcripts: non-coding transcript variant (1).
Genome position (GRCh38, 1-based): chr17:80,220,291, C>T on the plus strand (G>A on the coding strand, the complement: SGSH is on the minus strand). VCF-style: chr17-80220291-C-T. GRCh37 (hg19) VCF-style: chr17-78194090-C-T.
Other names: c.23G>A, p.Cys8Tyr (NM_001352921.3, NM_001352922.2); short protein forms C8Y.
Identifiers: ClinVar variation 1496318 (VCV001496318.6), dbSNP rs2144833092, ClinGen allele CA401365633.